The following is an entry in ClinVar:

ClinVar aggregate classification (germline): Uncertain significance (1 of 4 stars; one submission).

Allele frequency attached by ClinVar (database versions not stated): ExAC 0.00009; gnomAD 0.00015; TOPMed 0.00018; ESP Exome Variant Server 0.00023.
gnomAD v4.1: 48 of 1,613,964 alleles (0.003%); highest among the groups gnomAD compares: African/African-American, 0.045%; no homozygotes.

Submission:

Labcorp Genetics (formerly Invitae), Labcorp
Classification: Uncertain significance. Last evaluated: 2026-01-05. Review status: criteria provided, single submitter. Criteria: Invitae Variant Classification Sherloc (09022015). Collection method: clinical testing. Allele origin: germline.
Comment: This sequence change replaces arginine, which is basic and polar, with glutamine, which is neutral and polar, at codon 1155 of the ADAMTS18 protein (p.Arg1155Gln). This variant is present in population databases (rs139912144, gnomAD 0.07%). This variant has not been reported in the literature in individuals affected with ADAMTS18-related conditions. ClinVar contains an entry for this variant (Variation ID: 1935623). An algorithm developed to predict the effect of missense changes on protein structure and function outputs the following: PolyPhen-2: "Benign". The glutamine amino acid residue is found in multiple mammalian species, which suggests that this missense change does not adversely affect protein function. In summary, the available evidence is currently insufficient to determine the role of this variant in disease. Therefore, it has been classified as a Variant of Uncertain Significance.

NM_199355.4(ADAMTS18):c.3464G>A (p.Arg1155Gln)

Genes: ADAMTS18 (ADAM metallopeptidase with thrombospondin type 1 motif 18; minus strand), LOC126862407 (CDK7 strongly-dependent group 2 enhancer GRCh37_chr16:77322970-77324169; plus strand). Cytogenetic location: 16q23.1.
Variant type: single nucleotide variant.
Coding change: c.3464G>A on transcript NM_199355.4 (MANE Select); coding-DNA position 3464, G replaced by A.
Protein change: p.Arg1155Gln; replaces arginine 1155 with glutamine.
Molecular consequence: missense variant.
Genome position (GRCh38, 1-based): chr16:77,289,350, C>T on the plus strand (G>A on the coding strand, the complement: ADAMTS18 is on the minus strand). VCF-style: chr16-77289350-C-T. GRCh37 (hg19) VCF-style: chr16-77323247-C-T.
Other names: c.2948G>A, p.Arg983Gln (NM_001326358.2); short protein forms R1155Q, R983Q.
Identifiers: ClinVar variation 1935623 (VCV001935623.3), dbSNP rs139912144, ClinGen allele CA8180421.